The following is an entry in ClinVar:

NM_000059.4(BRCA2):c.5054C>G (p.Ser1685Ter)

Gene: BRCA2 (BRCA2 DNA repair associated; plus strand). Cytogenetic location: 13q13.1.
Variant type: single nucleotide variant.
Coding change: c.5054C>G on transcript NM_000059.4 (MANE Select); coding-DNA position 5054, C replaced by G.
Protein change: p.Ser1685Ter; replaces serine 1685 with a stop codon.
Molecular consequence: nonsense.
Genome position (GRCh38, 1-based): chr13:32,339,409, C>G. VCF-style: chr13-32339409-C-G. GRCh37 (hg19) VCF-style: chr13-32913546-C-G.
Other names: short protein forms S1685*.
Identifiers: ClinVar variation 491288 (VCV000491288.17), dbSNP rs398122791, ClinGen allele CA387784027.
Genomic context (GRCh38, chr13:32,339,409, plus strand): 5'-AAAATTCAGCCTTAGCTTTTTACACAAGTTGTAGTAGAAAAACTTCTGTGAGTCAGACTT[C>G]ATTACTTGAAGCAAAAAAATGGCTTAGAGAAGGAATATTTGATGGTCAACCAGAAAGAAT-3'

ClinVar aggregate classification (germline): Pathogenic. Review status: criteria provided, multiple submitters, no conflicts (2 of 4 stars). 2 submissions from 2 submitters: Pathogenic (2). Last evaluated 2022-01-31.

Conditions:
Hereditary breast ovarian cancer syndrome. Also called: Hereditary breast and/or ovarian cancer syndrome; BRCA1- and BRCA2-Associated Hereditary Breast and Ovarian Cancer; Breast and ovarian cancer; Hereditary breast and ovarian cancer; Hereditary breast and ovarian cancer syndrome; Hereditary breast and ovarian cancer syndrome (HBOC). Identifiers: Orphanet 145, MedGen C0677776, MeSH D061325, MONDO:0003582. Disease mechanism: loss of function.
Hereditary cancer-predisposing syndrome. Also called: Hereditary neoplastic syndrome; Tumor predisposition; Hereditary Cancer Syndrome; Neoplastic Syndromes, Hereditary. Identifiers: Orphanet 140162, MedGen C0027672, MeSH D009386, MONDO:0015356.

Submissions (2):

Color Diagnostics, LLC DBA Color Health
Classification: Pathogenic for Hereditary cancer-predisposing syndrome. Last evaluated: 2022-01-31. Review status: criteria provided, single submitter. Criteria: ACMG Guidelines, 2015. Collection method: clinical testing. Allele origin: germline.
Comment: This variant changes 1 nucleotide in exon 11 of the BRCA2 gene, creating a premature translation stop signal. This variant is expected to result in an absent or non-functional protein product. This variant has been reported in individuals affected with breast cancer (PMID: 28724667). This variant has not been identified in the general population by the Genome Aggregation Database (gnomAD). Loss of BRCA2 function is a known mechanism of disease. Based on the available evidence, this variant is classified as Pathogenic.

Labcorp Genetics (formerly Invitae), Labcorp
Classification: Pathogenic for Hereditary breast ovarian cancer syndrome. Last evaluated: 2019-09-10. Review status: criteria provided, single submitter. Criteria: Invitae Variant Classification Sherloc (09022015). Collection method: clinical testing. Allele origin: germline.
Comment: This sequence change creates a premature translational stop signal (p.Ser1685*) in the BRCA2 gene. It is expected to result in an absent or disrupted protein product. This variant is not present in population databases (ExAC no frequency). This variant has been observed in individuals affected with breast cancer (PMID: 28724667). ClinVar contains an entry for this variant (Variation ID: 491288). Loss-of-function variants in BRCA2 are known to be pathogenic (PMID: 20104584). For these reasons, this variant has been classified as Pathogenic.

Literature cited by the submitters: PubMed 28724667 (cited by Color Diagnostics, LLC DBA Color Health and Labcorp Genetics (formerly Invitae), Labcorp); PubMed 20104584 (cited by Labcorp Genetics (formerly Invitae), Labcorp).